The following is an entry in ClinVar:

ClinVar aggregate classification (germline): Uncertain significance (1 of 4 stars; one submission).

Conditions:
Dyskeratosis congenita. Identifiers: Orphanet 1775, MedGen C0265965, MONDO:0015780.

Allele frequency attached by ClinVar (database versions not stated): ExAC 0.00001; gnomAD 0.00001; gnomAD exomes 0.00001; TOPMed 0.00002.

Submission:

Labcorp Genetics (formerly Invitae), Labcorp
Classification: Uncertain significance for Dyskeratosis congenita. Last evaluated: 2021-07-17. Review status: criteria provided, single submitter. Criteria: Invitae Variant Classification Sherloc (09022015). Collection method: clinical testing. Allele origin: germline.
Comment: This sequence change replaces alanine with glutamic acid at codon 2 of the CTC1 protein (p.Ala2Glu). The alanine residue is moderately conserved and there is a moderate physicochemical difference between alanine and glutamic acid. The frequency data for this variant in the population databases is considered unreliable, as metrics indicate poor data quality at this position in the ExAC database. This variant has not been reported in the literature in individuals affected with CTC1-related conditions. Algorithms developed to predict the effect of missense changes on protein structure and function output the following: SIFT: "Deleterious"; PolyPhen-2: "Benign"; Align-GVGD: "Class C0". The glutamic acid amino acid residue is found in multiple mammalian species, which suggests that this missense change does not adversely affect protein function. In summary, the available evidence is currently insufficient to determine the role of this variant in disease. Therefore, it has been classified as a Variant of Uncertain Significance.

NM_025099.6(CTC1):c.5C>A (p.Ala2Glu)

Genes: CTC1 (CST telomere replication complex component 1; minus strand), PFAS (phosphoribosylformylglycinamidine synthase; plus strand). Cytogenetic location: 17p13.1.
Variant type: single nucleotide variant.
Coding change: c.5C>A on transcript NM_025099.6 (MANE Select); coding-DNA position 5, C replaced by A.
Protein change: p.Ala2Glu; replaces alanine 2 with glutamic acid.
Molecular consequence: missense variant. On other transcripts: non-coding transcript variant (1).
Genome position (GRCh38, 1-based): chr17:8,248,032, G>T on the plus strand (C>A on the coding strand, the complement: CTC1 is on the minus strand). VCF-style: chr17-8248032-G-T. GRCh37 (hg19) VCF-style: chr17-8151350-G-T.
Other names: short protein forms A2E.
Identifiers: ClinVar variation 1353180 (VCV001353180.8), dbSNP rs749391693, ClinGen allele CA8372772.
Genomic context (GRCh38, chr17:8,248,032, plus strand): 5'-AAAGGAACAAGAGACGTAATAGCAGCACTCACGGAGGAAGGGACCTGGGCCCGGCCAGCC[G>T]CCATGATGCGCCGGAGCTCCGCCCCCGGGAGGGGCAGGTGCTCGCTTGGGGGTGGGGATG-3'
Protein context (NP_079375.3, residues 1-12): M[Ala2Glu]AGRAQVPSSE